The following is an entry in ClinVar:

NM_001267550.2(TTN):c.78707A>T (p.Glu26236Val)

Genes: TTN (titin; minus strand), TTN-AS1 (TTN antisense RNA 1; plus strand). Cytogenetic location: 2q31.2.
Variant type: single nucleotide variant.
Coding change: c.78707A>T on transcript NM_001267550.2 (MANE Select); coding-DNA position 78707, A replaced by T.
Protein change: p.Glu26236Val; replaces glutamic acid 26236 with valine.
Molecular consequence: missense variant.
Genome position (GRCh38, 1-based): chr2:178,567,425, T>A on the plus strand (A>T on the coding strand, the complement: TTN is on the minus strand). VCF-style: chr2-178567425-T-A. GRCh37 (hg19) VCF-style: chr2-179432152-T-A.
Other names: c.73784A>T, p.Glu24595Val (NM_001256850.1); c.51512A>T, p.Glu17171Val (NM_003319.4); c.71003A>T, p.Glu23668Val (NM_133378.4); c.51887A>T, p.Glu17296Val (NM_133432.3); c.52088A>T, p.Glu17363Val (NM_133437.4); short protein forms E26236V, E17296V, E17363V, E24595V, E17171V, E23668V.
Identifiers: ClinVar variation 572424 (VCV000572424.9), dbSNP rs1559361218, ClinGen allele CA349601485.
Genomic context (GRCh38, chr2:178,567,425, plus strand): 5'-GCATCTTTTACAATAAGTAAAGCCTTGAAATCTGTGTTCTTTATTTCACATCTAGCAGAT[T>A]CTTCAATTTCCTTATCTCCTCTTAACCACTCAATGGTAGGTAGGGGCTTTCCATGGACAT-3'
Protein context (NP_001254479.2, residues 26226-26246): EWLRGDKEIE[Glu26236Val]SARCEIKNTD

ClinVar aggregate classification (germline): Uncertain significance (1 of 4 stars; one submission).

Conditions:
Dilated cardiomyopathy 1G (CMD1G). Identifiers: Orphanet 154, MedGen C1858763, MONDO:0011400, OMIM 604145.
Autosomal recessive limb-girdle muscular dystrophy type 2J (LGMDR10). Also called: Limb-girdle muscular dystrophy, type 2J; MUSCULAR DYSTROPHY, LIMB-GIRDLE, AUTOSOMAL RECESSIVE 10. Identifiers: Orphanet 140922, MedGen C1837342, MONDO:0012127, OMIM 608807.

Submission:

Labcorp Genetics (formerly Invitae), Labcorp
Classification: Uncertain significance for Dilated cardiomyopathy 1G; Autosomal recessive limb-girdle muscular dystrophy type 2J. Last evaluated: 2022-02-04. Review status: criteria provided, single submitter. Criteria: Invitae Variant Classification Sherloc (09022015). Collection method: clinical testing. Allele origin: germline.
Comment: In summary, the available evidence is currently insufficient to determine the role of this variant in disease. Therefore, it has been classified as a Variant of Uncertain Significance. This variant is located in the A band of TTN (PMID: 25589632). Variants in this region may be relevant for cardiac or neuromuscular disorders (PMID: 25589632, 23975875). Algorithms developed to predict the effect of sequence changes on RNA splicing suggest that this variant may create or strengthen a splice site. Experimental studies and prediction algorithms are not available or were not evaluated, and the functional significance of this variant is currently unknown. ClinVar contains an entry for this variant (Variation ID: 572424). This variant has not been reported in the literature in individuals affected with TTN-related conditions. This variant is not present in population databases (gnomAD no frequency). This sequence change replaces glutamic acid, which is acidic and polar, with valine, which is neutral and non-polar, at codon 26236 of the TTN protein (p.Glu26236Val).

Literature cited by the submitters: PubMed 25589632; PubMed 23975875.